The following is an entry in ClinVar:

NM_001201543.2(FAM161A):c.1405del (p.Arg469fs)

Gene: FAM161A (FAM161 centrosomal protein A; minus strand). Cytogenetic location: 2p15.
Variant type: Deletion.
Coding change: c.1405del on transcript NM_001201543.2 (MANE Select); coding-DNA position 1405, one base deleted (A; older notation c.1405delA).
Protein change: p.Arg469fs; shifts the reading frame from arginine 469.
Molecular consequence: frameshift variant. On other transcripts: non-coding transcript variant (1).
Genome position (GRCh38, 1-based): chr2:61,839,599, T deleted on the plus strand (A on the coding strand, the reverse complement: FAM161A is on the minus strand); the first of 4 consecutive T bases (chr2:61,839,599-61,839,602); deleting any one gives the same sequence. VCF-style (leftmost placement, unchanged base first): chr2-61839598-CT-C. GRCh37 (hg19) VCF-style: chr2-62066733-CT-C.
Other names: c.1405del, p.Arg469fs (NM_032180.3); c.1405delA (NM_001201543.2); short protein forms R469fs.
Identifiers: ClinVar variation 2869373 (VCV002869373.4), dbSNP rs1672921868, ClinGen allele CA1255593680.

ClinVar aggregate classification (germline): Pathogenic. Review status: criteria provided, multiple submitters, no conflicts (2 of 4 stars). 2 submissions from 2 submitters: Pathogenic (2). Last evaluated 2023-10-01.

Conditions:
Retinal dystrophy. Also called: Inherited retinal dystrophy. Identifiers: Orphanet 71862, MedGen C0854723, MeSH D058499, MONDO:0019118, HP:0000556.

Submissions (2):

Dept Of Ophthalmology, Nagoya University
Classification: Pathogenic for Retinal dystrophy. Last evaluated: 2023-10-01. Review status: criteria provided, single submitter. Criteria: Submitter's publication. Collection method: research. Allele origin: germline. Affected: yes.

Labcorp Genetics (formerly Invitae), Labcorp
Classification: Pathogenic. Last evaluated: 2023-04-14. Review status: criteria provided, single submitter. Criteria: Invitae Variant Classification Sherloc (09022015). Collection method: clinical testing. Allele origin: germline.
Comment: For these reasons, this variant has been classified as Pathogenic. This variant has not been reported in the literature in individuals affected with FAM161A-related conditions. This variant is not present in population databases (gnomAD no frequency). This sequence change creates a premature translational stop signal (p.Arg469Glufs*15) in the FAM161A gene. It is expected to result in an absent or disrupted protein product. Loss-of-function variants in FAM161A are known to be pathogenic (PMID: 20705278, 20705279, 24651477).

Literature cited by the submitters: PubMed 20705278 (cited by Labcorp Genetics (formerly Invitae), Labcorp); PubMed 20705279 (cited by Labcorp Genetics (formerly Invitae), Labcorp); PubMed 24651477 (cited by Labcorp Genetics (formerly Invitae), Labcorp).